The following is an entry in ClinVar:

ClinVar aggregate classification (germline): Likely pathogenic (1 of 4 stars; one submission).

Conditions:
Autosomal recessive limb-girdle muscular dystrophy type 2J (LGMDR10). Also called: Limb-girdle muscular dystrophy, type 2J; MUSCULAR DYSTROPHY, LIMB-GIRDLE, AUTOSOMAL RECESSIVE 10. Identifiers: Orphanet 140922, MedGen C1837342, MONDO:0012127, OMIM 608807.
Dilated cardiomyopathy 1G (CMD1G). Identifiers: Orphanet 154, MedGen C1858763, MONDO:0011400, OMIM 604145.

Submission:

Labcorp Genetics (formerly Invitae), Labcorp
Classification: Likely pathogenic for Dilated cardiomyopathy 1G; Autosomal recessive limb-girdle muscular dystrophy type 2J. Last evaluated: 2025-12-31. Review status: criteria provided, single submitter. Criteria: Invitae Variant Classification Sherloc (09022015). Collection method: clinical testing. Allele origin: germline.
Comment: This sequence change affects an acceptor splice site in intron 228 of the TTN gene. While this is not anticipated to result in nonsense mediated decay, it is expected to create a truncated TTN protein. This variant is not present in population databases (gnomAD no frequency). This variant has not been reported in the literature in individuals affected with TTN-related conditions. Algorithms developed to predict the effect of sequence changes on RNA splicing suggest that this variant may disrupt the consensus splice site. This variant is located in the I band of TTN (PMID: 25589632). Truncating variants in this region have been reported in individuals affected with autosomal recessive centronuclear myopathy (PMID: 23975875, internal data). Truncating variants in this region have also been identified in individuals affected with autosomal dominant dilated cardiomyopathy and/or cardio-related conditions (PMID: 27869827, 32964742, internal data). In summary, the currently available evidence indicates that the variant is pathogenic, but additional data are needed to prove that conclusively. Therefore, this variant has been classified as Likely Pathogenic.

Literature cited by the submitters: PubMed 25589632; PubMed 23975875; PubMed 27869827; PubMed 32964742.

NM_001267550.2(TTN):c.42025-1G>A

Gene: TTN (titin; minus strand). Cytogenetic location: 2q31.2.
Variant type: single nucleotide variant.
Coding change: c.42025-1G>A on transcript NM_001267550.2 (MANE Select); the canonical splice acceptor site of the intron before coding-DNA position 42025, G replaced by A.
Molecular consequence: splice acceptor variant.
Genome position (GRCh38, 1-based): chr2:178,634,850, C>T on the plus strand (G>A on the coding strand, the complement: TTN is on the minus strand). VCF-style: chr2-178634850-C-T. GRCh37 (hg19) VCF-style: chr2-179499577-C-T.
Other names: c.14830-1G>A (NM_003319.4); c.15406-1G>A (NM_133437.4); c.15205-1G>A (NM_133432.3); c.34321-1G>A (NM_133378.4); c.37102-1G>A (NM_001256850.1).
Identifiers: ClinVar variation 4789111 (VCV004789111.1).